The following is an entry in ClinVar:

NM_002354.3(EPCAM):c.235G>A (p.Gly79Arg)

Gene: EPCAM (epithelial cell adhesion molecule; plus strand). Cytogenetic location: 2p21.
Variant type: single nucleotide variant.
Coding change: c.235G>A on transcript NM_002354.3 (MANE Select); coding-DNA position 235, G replaced by A.
Protein change: p.Gly79Arg; replaces glycine 79 with arginine.
Molecular consequence: missense variant.
Genome position (GRCh38, 1-based): chr2:47,373,858, G>A. VCF-style: chr2-47373858-G-A. GRCh37 (hg19) VCF-style: chr2-47600997-G-A.
Other names: short protein forms G79R.
Identifiers: ClinVar variation 2561070 (VCV002561070.2), dbSNP rs770367836, ClinGen allele CA1648932.

ClinVar aggregate classification (germline): Uncertain significance (1 of 4 stars; one submission).

Conditions:
Hereditary cancer-predisposing syndrome. Also called: Neoplastic Syndromes, Hereditary; Hereditary Cancer Syndrome; Hereditary neoplastic syndrome; Tumor predisposition. Identifiers: Orphanet 140162, MedGen C0027672, MeSH D009386, MONDO:0015356.

Allele frequency attached by ClinVar (database versions not stated): gnomAD 0.00001; ExAC 0.00002; TOPMed 0.00002.
gnomAD v4.1: 10 of 1,613,898 alleles (0.00062%); highest among the groups gnomAD compares: Non-Finnish European, 0.00017%; no homozygotes.

Submission:

Ambry Genetics
Classification: Uncertain significance for Hereditary cancer-predisposing syndrome. Last evaluated: 2023-05-07. Review status: criteria provided, single submitter. Criteria: Ambry Variant Classification Scheme 2023. Collection method: clinical testing. Allele origin: germline.
Comment: The p.G79R variant (also known as c.235G>A), located in coding exon 3 of the EPCAM gene, results from a G to A substitution at nucleotide position 235. The glycine at codon 79 is replaced by arginine, an amino acid with dissimilar properties. This amino acid position is conserved. In addition, this alteration is predicted to be tolerated by in silico analysis. Since supporting evidence is limited at this time, the clinical significance of this alteration remains unclear.